The following is an entry in ClinVar:

NM_001367721.1(CASK):c.974C>A (p.Pro325His)

Gene: CASK (calcium/calmodulin dependent serine protein kinase; minus strand). Cytogenetic location: Xp11.4.
Variant type: single nucleotide variant.
Coding change: c.974C>A on transcript NM_001367721.1 (MANE Select); coding-DNA position 974, C replaced by A.
Protein change: p.Pro325His; replaces proline 325 with histidine.
Molecular consequence: missense variant.
Genome position (GRCh38, 1-based): chrX:41,626,645, G>T on the plus strand (C>A on the coding strand, the complement: CASK is on the minus strand). VCF-style: chrX-41626645-G-T. GRCh37 (hg19) VCF-style: chrX-41485898-G-T.
Other names: c.974C>A, p.Pro325His (NM_001126054.3, NM_001126055.3, NM_001410745.1 and 1 more transcripts); short protein forms P325H.
Identifiers: ClinVar variation 419814 (VCV000419814.2), dbSNP rs760139497, ClinGen allele CA10390308.

ClinVar aggregate classification (germline): Uncertain significance (1 of 4 stars; one submission).

Allele frequency attached by ClinVar (database versions not stated): gnomAD 0.00005 and 0.00001; ExAC below 0.00001.
gnomAD v4.1: 1 of 1,205,716 alleles (0.000083%); highest among the groups gnomAD compares: Non-Finnish European, 0.00011%; no homozygotes.

Submission:

GeneDx
Classification: Uncertain significance. Last evaluated: 2015-09-29. Review status: criteria provided, single submitter. Criteria: GeneDx Variant Classification (06012015). Collection method: clinical testing. Allele origin: germline. Affected: yes.
Comment: The P325H variant in the CASK gene has not been published as a pathogenic variant, nor has it been reported as a benign polymorphism to our knowledge. The P325H variant was not observed in approximately 6,500 individuals of European and African American ancestry in the NHLBI Exome Sequencing Project, indicating it is not a common benign variant in these populations. The P325H variant is a non-conservative amino acid substitution, which is likely to impact secondary protein structure as these residues differ in polarity, charge, size and/or other properties. This substitution occurs at a position that is conserved across species. In silico analysis is inconsistent in its predictions as to whether or not the variant is damaging to the protein structure/function. We interpret P325H as a variant of unknown significance.